The following is an entry in ClinVar:

ClinVar aggregate classification (germline): Likely benign. Review status: criteria provided, multiple submitters, no conflicts (2 of 4 stars). 3 submissions from 3 submitters: Likely benign (3). Last evaluated 2026-02-18.

Conditions:
Charcot-Marie-Tooth disease dominant intermediate C (CMTDIC). Also called: CHARCOT-MARIE-TOOTH NEUROPATHY, DOMINANT INTERMEDIATE C. Identifiers: Orphanet 100045, MedGen C1842237, MONDO:0012012, OMIM 608323.
Inborn genetic diseases. Identifiers: MedGen C0950123, MeSH D030342.

Allele frequency attached by ClinVar (database versions not stated): gnomAD exomes 0.00002 and 0.00007; ExAC 0.00013; ESP Exome Variant Server 0.00031; TOPMed 0.00038; gnomAD 0.00040 and 0.00041; 1000 Genomes Project 0.00080; 1000 Genomes Project 30x 0.00109.
gnomAD v4.1: 95 of 1,613,816 alleles (0.0059%); highest among the groups gnomAD compares: African/African-American, 0.11%; no homozygotes.

Submissions (3):

Women's Health and Genetics/Laboratory Corporation of America, LabCorp
Classification: Likely benign. Last evaluated: 2026-02-18. Review status: criteria provided, single submitter. Criteria: LabCorp Variant Classification Summary - May 2015. Collection method: clinical testing. Allele origin: germline.
Comment: Variant summary: YARS1 c.1486A>G (p.Lys496Glu) results in a conservative amino acid change in the encoded protein sequence. Algorithms developed to predict the effect of missense changes on protein structure and function are either unavailable or do not agree on the potential impact of this missense change. The variant allele was found at a frequency of 5.9e-05 in 1606842 control chromosomes, predominantly at a frequency of 0.0011 within the African or African-American subpopulation in the gnomAD database. This frequency exceeds the estimated maximal expected allele frequency for disease-causing variants in YARS1. To our knowledge, no occurrence of c.1486A>G in individuals affected with YARS1-related conditions and no experimental evidence demonstrating its impact on protein function have been reported. ClinVar contains an entry for this variant (Variation ID: 697735). Based on the evidence outlined above, the variant was classified as likely benign.

Ambry Genetics
Classification: Likely benign for Inborn genetic diseases. Last evaluated: 2025-08-27. Review status: criteria provided, single submitter. Criteria: Ambry Variant Classification Scheme 2023. Collection method: clinical testing. Allele origin: germline.

Labcorp Genetics (formerly Invitae), Labcorp
Classification: Likely benign for Charcot-Marie-Tooth disease dominant intermediate C. Last evaluated: 2025-06-22. Review status: criteria provided, single submitter. Criteria: Invitae Variant Classification Sherloc (09022015). Collection method: clinical testing. Allele origin: germline.

NM_003680.4(YARS1):c.1486A>G (p.Lys496Glu)

Gene: YARS1 (tyrosyl-tRNA synthetase 1; minus strand). Cytogenetic location: 1p35.1.
Variant type: single nucleotide variant.
Coding change: c.1486A>G on transcript NM_003680.4 (MANE Select); coding-DNA position 1486, A replaced by G.
Protein change: p.Lys496Glu; replaces lysine 496 with glutamic acid.
Molecular consequence: missense variant.
Genome position (GRCh38, 1-based): chr1:32,776,082, T>C on the plus strand (A>G on the coding strand, the complement: YARS1 is on the minus strand). VCF-style: chr1-32776082-T-C. GRCh37 (hg19) VCF-style: chr1-33241683-T-C.
Other names: short protein forms K496E.
Identifiers: ClinVar variation 697735 (VCV000697735.13), dbSNP rs200375230, ClinGen allele CA744874.